The following is an entry in ClinVar:

NM_001292063.2(OTOG):c.6197A>G (p.His2066Arg)

Gene: OTOG (otogelin; plus strand). Cytogenetic location: 11p15.1.
Variant type: single nucleotide variant.
Coding change: c.6197A>G on transcript NM_001292063.2 (MANE Select); coding-DNA position 6197, A replaced by G.
Protein change: p.His2066Arg; replaces histidine 2066 with arginine.
Molecular consequence: missense variant.
Genome position (GRCh38, 1-based): chr11:17,612,235, A>G. VCF-style: chr11-17612235-A-G. GRCh37 (hg19) VCF-style: chr11-17633782-A-G.
Other names: c.6233A>G, p.His2078Arg (NM_001277269.2); short protein forms H2066R, H2078R.
Identifiers: ClinVar variation 1031281 (VCV001031281.1), dbSNP rs770170338, ClinGen allele CA5906003.

ClinVar aggregate classification (germline): Uncertain significance (1 of 4 stars; one submission).

Conditions:
Autosomal recessive nonsyndromic hearing loss 18B. Also called: Deafness, autosomal recessive 18b. Identifiers: Orphanet 90636, MedGen C3554163, MONDO:0013985, OMIM 614945.

Allele frequency attached by ClinVar (database versions not stated): ExAC 0.00007.
gnomAD v4.1: 12 of 1,548,702 alleles (0.00077%); highest among the groups gnomAD compares: South Asian, 0.014%; no homozygotes.

Submission:

Baylor Genetics
Classification: Uncertain significance for Autosomal recessive nonsyndromic hearing loss 18B. Last evaluated: 2019-09-11. Review status: criteria provided, single submitter. Criteria: ACMG Guidelines, 2015. Collection method: clinical testing. Allele origin: unknown. Affected: yes.
Comment: This variant was determined to be of uncertain significance according to ACMG Guidelines, 2015 [PMID:25741868].